The following is an entry in ClinVar:

ClinVar aggregate classification (germline): Likely benign (0 of 4 stars; one submission).

Conditions:
TBX3-related disorder. Also called: TBX3-related condition.

gnomAD v4.1: 3 of 1,570,492 alleles (0.00019%); highest among the groups gnomAD compares: African/African-American, 0.0014%; no homozygotes.

Submission:

PreventionGenetics, part of Exact Sciences
Classification: Likely benign for TBX3-related condition. Last evaluated: 2022-11-07. Review status: no assertion criteria provided. Collection method: clinical testing. Allele origin: germline.
Comment: This variant is classified as likely benign based on ACMG/AMP sequence variant interpretation guidelines (Richards et al. 2015 PMID: 25741868, with internal and published modifications).

NM_005996.4(TBX3):c.1950G>C (p.Leu650=)

Gene: TBX3 (T-box transcription factor 3; minus strand). Cytogenetic location: 12q24.21.
Variant type: single nucleotide variant.
Coding change: c.1950G>C on transcript NM_005996.4 (MANE Select); coding-DNA position 1950, G replaced by C.
Protein change: p.Leu650=; no amino-acid change (leucine 650 retained).
Molecular consequence: synonymous variant.
Genome position (GRCh38, 1-based): chr12:114,672,063, C>G on the plus strand (G>C on the coding strand, the complement: TBX3 is on the minus strand). VCF-style: chr12-114672063-C-G. GRCh37 (hg19) VCF-style: chr12-115109868-C-G.
Other names: c.2010G>C, p.Leu670= (NM_016569.4).
Identifiers: ClinVar variation 3352081 (VCV003352081.1).
Genomic context (GRCh38, chr12:114,672,063, plus strand): 5'-AGAGCCCGAGTCCACTGCCACCGAGGCCGGGCTGGCGGCCAGGGCGGCGACTTTGCCGTC[C>G]AGGGGCCCCGCGGCCGCCGCCATGGAGGGCAGGGCGGTGGTGAGCAGACTGCTGCCGTCC-3'
Protein context (NP_005987.3, residues 640-660): LPSMAAAAGP[Leu650=]DGKVAALAAS